The following is an entry in ClinVar:

NM_000324.3(RHAG):c.974A>G (p.His325Arg)

Gene: RHAG (Rh associated glycoprotein; minus strand). Cytogenetic location: 6p12.3.
Variant type: single nucleotide variant.
Coding change: c.974A>G on transcript NM_000324.3 (MANE Select); coding-DNA position 974, A replaced by G.
Protein change: p.His325Arg; replaces histidine 325 with arginine.
Molecular consequence: missense variant.
Genome position (GRCh38, 1-based): chr6:49,611,117, T>C on the plus strand (A>G on the coding strand, the complement: RHAG is on the minus strand). VCF-style: chr6-49611117-T-C. GRCh37 (hg19) VCF-style: chr6-49578830-T-C.
Other names: short protein forms H325R.
Identifiers: ClinVar variation 2442218 (VCV002442218.4), dbSNP rs1189091693, ClinGen allele CA364397623.

ClinVar aggregate classification (germline): Uncertain significance. Review status: criteria provided, multiple submitters, no conflicts (2 of 4 stars). 4 submissions from 4 submitters: Uncertain significance (4). Last evaluated 2025-09-07.

Conditions:
Overhydrated hereditary stomatocytosis. Identifiers: Orphanet 3203, MedGen C1861455, MONDO:0008493, OMIM 185000.

Allele frequency attached by ClinVar (database versions not stated): gnomAD 0.00003; gnomAD exomes 0.00003.
gnomAD v4.1: 53 of 1,613,586 alleles (0.0033%); highest among the groups gnomAD compares: Non-Finnish European, 0.0042%; no homozygotes.

Submissions (4):

Labcorp Genetics (formerly Invitae), Labcorp
Classification: Uncertain significance. Last evaluated: 2025-09-07. Review status: criteria provided, single submitter. Criteria: Invitae Variant Classification Sherloc (09022015). Collection method: clinical testing. Allele origin: germline.
Comment: This sequence change replaces histidine, which is basic and polar, with arginine, which is basic and polar, at codon 325 of the RHAG protein (p.His325Arg). This variant is present in population databases (no rsID available, gnomAD 0.002%). This variant has not been reported in the literature in individuals affected with RHAG-related conditions. ClinVar contains an entry for this variant (Variation ID: 2442218). Invitae Evidence Modeling of protein sequence and biophysical properties (such as structural, functional, and spatial information, amino acid conservation, physicochemical variation, residue mobility, and thermodynamic stability) indicates that this missense variant is not expected to disrupt RHAG protein function with a negative predictive value of 80%. In summary, the available evidence is currently insufficient to determine the role of this variant in disease. Therefore, it has been classified as a Variant of Uncertain Significance.

Ambry Genetics
Classification: Uncertain significance. Last evaluated: 2025-04-04. Review status: criteria provided, single submitter. Criteria: Ambry Variant Classification Scheme 2023. Collection method: clinical testing. Allele origin: germline.

Revvity Omics, Revvity
Classification: Uncertain significance. Last evaluated: 2024-02-20. Review status: criteria provided, single submitter. Criteria: ACMG Guidelines, 2015. Collection method: clinical testing. Allele origin: germline.

Baylor Genetics
Classification: Uncertain significance for Overhydrated hereditary stomatocytosis. Last evaluated: 2022-09-16. Review status: criteria provided, single submitter. Criteria: ACMG Guidelines, 2015. Collection method: clinical testing. Allele origin: unknown.